The following is an entry in ClinVar:

ClinVar aggregate classification (germline): Benign. Review status: criteria provided, multiple submitters, no conflicts (2 of 4 stars). 7 submissions from 7 submitters: Benign (5). 2 of the submissions do not count toward it. Last evaluated 2026-02-04.

Conditions:
Familial infantile myasthenia (CMS6). Also called: MYASTHENIC SYNDROME, CONGENITAL, 6, PRESYNAPTIC; MYASTHENIC SYNDROME, PRESYNAPTIC, CONGENITAL, ASSOCIATED WITH EPISODIC APNEA; Congenital myasthenic syndrome type 6. Identifiers: Orphanet 590, MedGen C0393929, MONDO:0009689, OMIM 254210.

Allele frequency attached by ClinVar (database versions not stated): ESP Exome Variant Server 0.00178; gnomAD 0.02150 and 0.02698; TOPMed 0.03232; ExAC 0.03861; gnomAD exomes 0.06475; 1000 Genomes Project 30x 0.10415; 1000 Genomes Project 0.10883.

Submissions (9):

Labcorp Genetics (formerly Invitae), Labcorp
Classification: Benign for Familial infantile myasthenia. Last evaluated: 2026-02-04. Review status: criteria provided, single submitter. Criteria: Invitae Variant Classification Sherloc (09022015). Collection method: clinical testing. Allele origin: germline.

GeneDx
Classification: Benign. Last evaluated: 2017-05-30. Review status: criteria provided, single submitter. Criteria: GeneDx Variant Classification (06012015). Collection method: clinical testing. Allele origin: germline. Affected: yes.
Comment: This variant is considered likely benign or benign based on one or more of the following criteria: it is a conservative change, it occurs at a poorly conserved position in the protein, it is predicted to be benign by multiple in silico algorithms, and/or has population frequency not consistent with disease.

Eurofins Ntd Llc (ga)
Classification: Benign. Last evaluated: 2014-12-09. Review status: criteria provided, single submitter. Criteria: EGL Classification Definitions 2015. Collection method: clinical testing. Allele origin: germline. Observed: 5 variant alleles, 5 heterozygotes.

Breakthrough Genomics
Classification: Benign. Review status: criteria provided, single submitter. Criteria: ACMG Guidelines, 2015. Collection method: not provided. Allele origin: germline. Inheritance: Autosomal recessive inheritance. Affected: yes.

PreventionGenetics, part of Exact Sciences
Classification: Benign. Review status: criteria provided, single submitter. Criteria: ACMG Guidelines, 2015. Collection method: clinical testing. Allele origin: germline.

Mayo Clinic Laboratories, Mayo Clinic
Classification: Benign. Last evaluated: 2017-06-13. Review status: no assertion criteria provided. Collection method: clinical testing. Allele origin: unknown. Not counted in ClinVar's aggregate classification.

Dr. Peter K. Rogan Lab, Western University
No classification provided (evidence only). Condition: Thymoma. Review status: no classification provided. Collection method: in vitro. Allele origin: not applicable. Functional consequence: retained intron. Not counted in ClinVar's aggregate classification.

Dr. Peter K. Rogan Lab, Western University
No classification provided (evidence only). Condition: Gastric cancer. Review status: no classification provided. Collection method: in vitro. Allele origin: not applicable. Functional consequence: retained intron. Not counted in ClinVar's aggregate classification.

Genetic Services Laboratory, University of Chicago
Classification: Likely benign for AllHighlyPenetrant. Review status: no assertion criteria provided. Collection method: clinical testing. Allele origin: germline. Inheritance: Autosomal recessive inheritance. Not counted in ClinVar's aggregate classification.
Comment: Likely benign based on allele frequency in 1000 Genomes Project or ESP global frequency and its presence in a patient with a rare or unrelated disease phenotype. NOT Sanger confirmed.

NM_020549.5(CHAT):c.141C>G (p.Asp47Glu)

Gene: CHAT (choline O-acetyltransferase; plus strand). Cytogenetic location: 10q11.23.
Variant type: single nucleotide variant.
Coding change: c.141C>G on transcript NM_020549.5 (MANE Select); coding-DNA position 141, C replaced by G.
Protein change: p.Asp47Glu; replaces aspartic acid 47 with glutamic acid.
Molecular consequence: missense variant. On other transcripts: 5 prime UTR variant (4), intron variant (2).
Genome position (GRCh38, 1-based): chr10:49,614,330, C>G. VCF-style: chr10-49614330-C-G. GRCh37 (hg19) VCF-style: chr10-50822376-C-G.
Other names: c.-214C>G (NM_001142929.2, NM_020985.4); c.-176C>G (NM_001142933.2); c.-284C>G (NM_001142934.2); c.-68-2172C>G (NM_020984.4); c.-69+1128C>G (NM_020986.4); short protein forms D47E.
Identifiers: ClinVar variation 128718 (VCV000128718.23), dbSNP rs3810948, ClinGen allele CA152338.